The following is an entry in ClinVar:

ClinVar aggregate classification (germline): Likely pathogenic (1 of 4 stars; one submission).

Conditions:
Isovaleryl-CoA dehydrogenase deficiency (IVA). Also called: ISOVALERIC ACID CoA DEHYDROGENASE DEFICIENCY; Classic Isovaleric Acidemia; Isovaleric acidemia; IVD DEFICIENCY. Identifiers: Orphanet 33, MedGen C0268575, MONDO:0009475, OMIM 243500.

Submission:

Myriad Genetics, Inc.
Classification: Likely pathogenic for Isovaleryl-CoA dehydrogenase deficiency. Last evaluated: 2022-05-27. Review status: criteria provided, single submitter. Criteria: Myriad Women's Health Autosomal Recessive and X-Linked Classification Criteria (2021). Collection method: clinical testing. Allele origin: unknown.
Comment: NM_002225.3(IVD):c.448G>T(E150*) is expected to be pathogenic in the context of isovaleric acidemia. This variant is predicted to lead to an abnormal or absent protein product due to the creation of a premature termination codon in IVD, a gene where loss-of-function variants are known to be pathogenic. Please note: this variant was assessed in the context of healthy population screening.

NM_002225.5(IVD):c.439G>T (p.Glu147Ter)

Gene: IVD (isovaleryl-CoA dehydrogenase; plus strand). Cytogenetic location: 15q15.1.
Variant type: single nucleotide variant.
Coding change: c.439G>T on transcript NM_002225.5 (MANE Select); coding-DNA position 439, G replaced by T.
Protein change: p.Glu147Ter; replaces glutamic acid 147 with a stop codon.
Molecular consequence: nonsense. On other transcripts: non-coding transcript variant (1).
Genome position (GRCh38, 1-based): chr15:40,410,780, G>T. VCF-style: chr15-40410780-G-T. GRCh37 (hg19) VCF-style: chr15-40702979-G-T.
Other names: c.349G>T, p.Glu117Ter (NM_001159508.3); c.391G>T, p.Glu131Ter (NM_001354597.3); c.439G>T, p.Glu147Ter (NM_001354598.3, NM_001354601.3); c.526G>T, p.Glu176Ter (NM_001354599.3, NM_001354600.3); short protein forms E117*, E131*, E147*, E176*.
Identifiers: ClinVar variation 1726225 (VCV001726225.2), dbSNP rs981444721, ClinGen allele CA391716762.